The following is an entry in ClinVar:

NM_198525.3(KIF7):c.716C>A (p.Ala239Asp)

Gene: KIF7 (kinesin family member 7; minus strand). Cytogenetic location: 15q26.1.
Variant type: single nucleotide variant.
Coding change: c.716C>A on transcript NM_198525.3 (MANE Select); coding-DNA position 716, C replaced by A.
Protein change: p.Ala239Asp; replaces alanine 239 with aspartic acid.
Molecular consequence: missense variant.
Genome position (GRCh38, 1-based): chr15:89,649,181, G>T on the plus strand (C>A on the coding strand, the complement: KIF7 is on the minus strand). VCF-style: chr15-89649181-G-T. GRCh37 (hg19) VCF-style: chr15-90192412-G-T.
Other names: short protein forms A239D.
Identifiers: ClinVar variation 1044738 (VCV001044738.8), dbSNP rs1188936390, ClinGen allele CA393775282.

ClinVar aggregate classification (germline): Uncertain significance. Review status: criteria provided, multiple submitters, no conflicts (2 of 4 stars). 3 submissions from 3 submitters: Uncertain significance (3). Last evaluated 2024-11-25.

Conditions:
Hydrolethalus syndrome 2 (HLS2). Identifiers: Orphanet 2189, MedGen C3279899, MONDO:0013585, OMIM 614120.
Acrocallosal syndrome (ACLS). Also called: HALLUX DUPLICATION, POSTAXIAL POLYDACTYLY, AND ABSENCE OF CORPUS CALLOSUM; Schinzel syndrome 1; Absence of corpus callosum with unusual facial appearance, mental deficiency, duplication of the halluces and polydactyly. Identifiers: Orphanet 36, MedGen C0796147, MONDO:0008708, OMIM 200990.
Multiple epiphyseal dysplasia, Al-Gazali type. Also called: Macrocephaly with multiple epiphyseal dysplasia and distinctive facies. Identifiers: Orphanet 166024, MedGen C1846722, MONDO:0011778, OMIM 607131.

Allele frequency attached by ClinVar (database versions not stated): gnomAD 0.00002; gnomAD exomes 0.00002; TOPMed 0.00002.
gnomAD v4.1: 22 of 1,547,224 alleles (0.0014%); highest among the groups gnomAD compares: Non-Finnish European, 0.0019%; no homozygotes.

Submissions (3):

Blueprint Genetics
Classification: Uncertain significance. Last evaluated: 2024-11-25. Review status: criteria provided, single submitter. Criteria: ACMG Guidelines, 2015. Collection method: clinical testing. Allele origin: germline.

Fulgent Genetics
Classification: Uncertain significance for Acrocallosal syndrome; Multiple epiphyseal dysplasia, Al-Gazali type; Hydrolethalus syndrome 2. Last evaluated: 2024-04-03. Review status: criteria provided, single submitter. Criteria: ACMG Guidelines, 2015. Collection method: clinical testing. Allele origin: germline.

Labcorp Genetics (formerly Invitae), Labcorp
Classification: Uncertain significance for Acrocallosal syndrome. Last evaluated: 2022-02-24. Review status: criteria provided, single submitter. Criteria: Invitae Variant Classification Sherloc (09022015). Collection method: clinical testing. Allele origin: germline.
Comment: This sequence change replaces alanine, which is neutral and non-polar, with aspartic acid, which is acidic and polar, at codon 239 of the KIF7 protein (p.Ala239Asp). This variant is present in population databases (no rsID available, gnomAD 0.006%). This variant has not been reported in the literature in individuals affected with KIF7-related conditions. ClinVar contains an entry for this variant (Variation ID: 1044738). Algorithms developed to predict the effect of missense changes on protein structure and function are either unavailable or do not agree on the potential impact of this missense change (SIFT: "Deleterious"; PolyPhen-2: "Benign"; Align-GVGD: "Class C0"). In summary, the available evidence is currently insufficient to determine the role of this variant in disease. Therefore, it has been classified as a Variant of Uncertain Significance.